The following is an entry in ClinVar:

ClinVar aggregate classification (germline): Uncertain significance (1 of 4 stars; one submission).

Conditions:
Curry-Hall syndrome (WAD). Also called: WEYERS ACRODENTAL DYSOSTOSIS. Identifiers: Orphanet 952, MedGen C0457013, MONDO:0008673, OMIM 193530.
Ellis-van Creveld syndrome (EVC). Also called: MESOECTODERMAL DYSPLASIA; EVC-Related Ellis-van Creveld Syndrome; EVC2-Related Ellis-van Creveld Syndrome; Chondroectodermal dysplasia. Identifiers: Orphanet 289, MedGen C0013903, MONDO:0009162, OMIM 225500.

Allele frequency attached by ClinVar (database versions not stated): TOPMed below 0.00001; gnomAD 0.00001.
gnomAD v4.1: 1 of 1,614,068 alleles (0.000062%); highest among the groups gnomAD compares: African/African-American, 0.0013%; no homozygotes.

Submission:

Labcorp Genetics (formerly Invitae), Labcorp
Classification: Uncertain significance for Curry-Hall syndrome; Ellis-van Creveld syndrome. Last evaluated: 2021-05-31. Review status: criteria provided, single submitter. Criteria: Invitae Variant Classification Sherloc (09022015). Collection method: clinical testing. Allele origin: germline.
Comment: This sequence change affects codon 363 of the EVC2 mRNA. It is a 'silent' change, meaning that it does not change the encoded amino acid sequence of the EVC2 protein. This variant is not present in population databases (ExAC no frequency). This variant has not been reported in the literature in individuals with EVC2-related disease. Algorithms developed to predict the effect of sequence changes on RNA splicing suggest that this variant may create or strengthen a splice site, but this prediction has not been confirmed by published transcriptional studies. In summary, the available evidence is currently insufficient to determine the role of this variant in disease. Therefore, it has been classified as a Variant of Uncertain Significance.

NM_147127.5(EVC2):c.1089A>G (p.Gln363=)

Gene: EVC2 (EvC ciliary complex subunit 2; minus strand). Cytogenetic location: 4p16.2.
Variant type: single nucleotide variant.
Coding change: c.1089A>G on transcript NM_147127.5 (MANE Select); coding-DNA position 1089, A replaced by G.
Protein change: p.Gln363=; no amino-acid change (glutamine 363 retained).
Molecular consequence: synonymous variant.
Genome position (GRCh38, 1-based): chr4:5,663,163, T>C on the plus strand (A>G on the coding strand, the complement: EVC2 is on the minus strand). VCF-style: chr4-5663163-T-C. GRCh37 (hg19) VCF-style: chr4-5664890-T-C.
Other names: c.849A>G, p.Gln283= (NM_001166136.2).
Identifiers: ClinVar variation 2201944 (VCV002201944.1), dbSNP rs1205650934, ClinGen allele CA438203561.